The following is an entry in ClinVar:

NM_003002.4(SDHD):c.73G>A (p.Val25Met)

Gene: SDHD (succinate dehydrogenase complex subunit D; plus strand). Cytogenetic location: 11q23.1.
Variant type: single nucleotide variant.
Coding change: c.73G>A on transcript NM_003002.4 (MANE Select); coding-DNA position 73, G replaced by A.
Protein change: p.Val25Met; replaces valine 25 with methionine.
Molecular consequence: missense variant. On other transcripts: non-coding transcript variant (1), intron variant (1).
Genome position (GRCh38, 1-based): chr11:112,087,877, G>A. VCF-style: chr11-112087877-G-A. GRCh37 (hg19) VCF-style: chr11-111958601-G-A.
Other names: c.73G>A, p.Val25Met (NM_001276503.2, NM_001276506.2); c.52+918G>A (NM_001276504.2); c.73G>A (NM_003002.2); short protein forms V25M.
Identifiers: ClinVar variation 4793095 (VCV004793095.2).

ClinVar aggregate classification (germline): Uncertain significance. Review status: criteria provided, multiple submitters, no conflicts (2 of 4 stars). 2 submissions from 2 submitters: Uncertain significance (2). Last evaluated 2026-08-04.

Conditions:
Hereditary cancer-predisposing syndrome. Also called: Hereditary Cancer Syndrome; Hereditary neoplastic syndrome; Neoplastic Syndromes, Hereditary; Tumor predisposition. Identifiers: Orphanet 140162, MedGen C0027672, MeSH D009386, MONDO:0015356.
Pheochromocytoma. Also called: MAX-Related Hereditary Paraganglioma-Pheochromocytoma Syndrome. Identifiers: Orphanet 29072, MedGen C0031511, MONDO:0008233, OMIM 171300, HP:0002666.
Paragangliomas with sensorineural hearing loss. Identifiers: MedGen C1868633.
Carney-Stratakis syndrome. Also called: PARAGANGLIOMA AND GASTROINTESTINAL STROMAL TUMOR. Identifiers: Orphanet 97286, MedGen C1847319, MONDO:0011740, OMIM 606864.
Cowden syndrome 3 (CWS3). Identifiers: Orphanet 201, MedGen CN166604, MONDO:0014045.

Submissions (2):

Ambry Genetics
Classification: Uncertain significance for Hereditary cancer-predisposing syndrome. Last evaluated: 2026-08-04. Review status: criteria provided, single submitter. Criteria: Ambry Variant Classification Scheme 2023. Collection method: clinical testing. Allele origin: germline.
Comment: The p.V25M variant (also known as c.73G>A), located in coding exon 2 of the SDHD gene, results from a G to A substitution at nucleotide position 73. The valine at codon 25 is replaced by methionine, an amino acid with highly similar properties. This amino acid position is conserved. In addition, this alteration is predicted to be deleterious by in silico analysis. Based on the available evidence, the clinical significance of this variant remains unclear.

Labcorp Genetics (formerly Invitae), Labcorp
Classification: Uncertain significance for Carney-Stratakis syndrome; Paragangliomas with sensorineural hearing loss; Pheochromocytoma; Cowden syndrome 3. Last evaluated: 2025-10-02. Review status: criteria provided, single submitter. Criteria: Invitae Variant Classification Sherloc (09022015). Collection method: clinical testing. Allele origin: germline.
Comment: This sequence change replaces valine, which is neutral and non-polar, with methionine, which is neutral and non-polar, at codon 25 of the SDHD protein (p.Val25Met). This variant is not present in population databases (gnomAD no frequency). This variant has not been reported in the literature in individuals affected with SDHD-related conditions. Invitae Evidence Modeling of protein sequence and biophysical properties (such as structural, functional, and spatial information, amino acid conservation, physicochemical variation, residue mobility, and thermodynamic stability) indicates that this missense variant is not expected to disrupt SDHD protein function with a negative predictive value of 80%. In summary, the available evidence is currently insufficient to determine the role of this variant in disease. Therefore, it has been classified as a Variant of Uncertain Significance.